The following is an entry in ClinVar:

NM_005051.3(QARS1):c.1385C>T (p.Ala462Val)

Gene: QARS1 (glutaminyl-tRNA synthetase 1; minus strand). Cytogenetic location: 3p21.31.
Variant type: single nucleotide variant.
Coding change: c.1385C>T on transcript NM_005051.3 (MANE Select); coding-DNA position 1385, C replaced by T.
Protein change: p.Ala462Val; replaces alanine 462 with valine.
Molecular consequence: missense variant. On other transcripts: non-coding transcript variant (1).
Genome position (GRCh38, 1-based): chr3:49,099,764, G>A on the plus strand (C>T on the coding strand, the complement: QARS1 is on the minus strand). VCF-style: chr3-49099764-G-A. GRCh37 (hg19) VCF-style: chr3-49137197-G-A.
Other names: c.1352C>T, p.Ala451Val (NM_001272073.2); c.1385C>T (NM_005051.1); short protein forms A451V, A462V.
Identifiers: ClinVar variation 1344971 (VCV001344971.7), dbSNP rs373289986, ClinGen allele CA74473632.

ClinVar aggregate classification (germline): Conflicting classifications of pathogenicity. Review status: criteria provided, conflicting classifications (1 of 4 stars). 3 submissions from 3 submitters: Likely pathogenic (1); Uncertain significance (2). Last evaluated 2025-02-06.

Conditions:
Diffuse cerebral and cerebellar atrophy - intractable seizures - progressive microcephaly syndrome. Also called: Microcephaly, progressive, with seizures and cerebral and cerebellar atrophy. Identifiers: Orphanet 404437, MedGen C4014239, MONDO:0014335, OMIM 615760.

Allele frequency attached by ClinVar (database versions not stated): gnomAD exomes below 0.00001; gnomAD 0.00001; ESP Exome Variant Server 0.00008.

Submissions (3):

Athena Diagnostics
Classification: Uncertain significance. Last evaluated: 2025-02-06. Review status: criteria provided, single submitter. Criteria: Athena Diagnostics Criteria. Collection method: clinical testing. Allele origin: unknown.
Comment: Available data are insufficient to determine the clinical significance of the variant at this time. The frequency of this variant in the general population is uninformative in assessment of its pathogenicity. Computational tools yielded predictions that this variant may result in the gain of a cryptic splice site without affecting the natural splice sites. Polyphen and MutationTaster yielded discordant predictions regarding whether this amino acid change is damaging to the protein.

Labcorp Genetics (formerly Invitae), Labcorp
Classification: Uncertain significance for Diffuse cerebral and cerebellar atrophy - intractable seizures - progressive microcephaly syndrome. Last evaluated: 2022-04-28. Review status: criteria provided, single submitter. Criteria: Invitae Variant Classification Sherloc (09022015). Collection method: clinical testing. Allele origin: germline.
Comment: This sequence change replaces alanine, which is neutral and non-polar, with valine, which is neutral and non-polar, at codon 462 of the QARS protein (p.Ala462Val). This variant is present in population databases (rs373289986, gnomAD 0.01%). This variant has not been reported in the literature in individuals affected with QARS-related conditions. Algorithms developed to predict the effect of missense changes on protein structure and function are either unavailable or do not agree on the potential impact of this missense change (SIFT: "Tolerated"; PolyPhen-2: "Possibly Damaging"; Align-GVGD: "Class C0"). Algorithms developed to predict the effect of sequence changes on RNA splicing suggest that this variant may create or strengthen a splice site. In summary, the available evidence is currently insufficient to determine the role of this variant in disease. Therefore, it has been classified as a Variant of Uncertain Significance.

GeneDx
Classification: Likely pathogenic. Last evaluated: 2022-03-11. Review status: criteria provided, single submitter. Criteria: GeneDx Variant Classification Process June 2021. Collection method: clinical testing. Allele origin: germline. Affected: yes.
Comment: Not observed at significant frequency in large population cohorts (gnomAD); In silico analysis supports that this missense variant has a deleterious effect on protein structure/function; In silico analysis supports a deleterious effect on splicing; Has not been previously published as pathogenic or benign to our knowledge; This variant is associated with the following publications: (PMID: 25471517)

Literature cited by the submitters: PubMed 35304488 (cited by Athena Diagnostics).